The following is an entry in ClinVar:

NM_001677.4(ATP1B1):c.790A>G (p.Thr264Ala)

Gene: ATP1B1 (ATPase Na+/K+ transporting subunit beta 1; plus strand). Cytogenetic location: 1q24.2.
Variant type: single nucleotide variant.
Coding change: c.790A>G on transcript NM_001677.4 (MANE Select); coding-DNA position 790, A replaced by G.
Protein change: p.Thr264Ala; replaces threonine 264 with alanine.
Molecular consequence: missense variant.
Genome position (GRCh38, 1-based): chr1:169,131,433, A>G. VCF-style: chr1-169131433-A-G. GRCh37 (hg19) VCF-style: chr1-169100671-A-G.
Other names: short protein forms T264A.
Identifiers: ClinVar variation 1177264 (VCV001177264.1), dbSNP rs760933888, ClinGen allele CA1231634.
Genomic context (GRCh38, chr1:169,131,433, plus strand): 5'-CCGTACTATGGCAAACTCCTGCAGCCCAAATACCTGCAGCCCCTGCTGGCCGTACAGTTC[A>G]CCAATCTTACCATGGACACTGAAATTCGCATAGAGTGTAAGGCGTACGGTGAGAACATTG-3'
Protein context (NP_001668.1, residues 254-274): YLQPLLAVQF[Thr264Ala]NLTMDTEIRI

ClinVar aggregate classification (germline): Uncertain significance (1 of 4 stars; one submission).

Allele frequency attached by ClinVar (database versions not stated): TOPMed below 0.00001; gnomAD exomes 0.00001 and 0.00004; ExAC 0.00004.

Submission:

Women's Health and Genetics/Laboratory Corporation of America, LabCorp
Classification: Uncertain significance. Last evaluated: 2021-07-05. Review status: criteria provided, single submitter. Criteria: LabCorp Variant Classification Summary - May 2015. Collection method: clinical testing. Allele origin: germline.
Comment: Variant summary: ATP1B1 c.790A>G (p.Thr264Ala) results in a non-conservative amino acid change in the encoded protein sequence. Three of five in-silico tools predict a damaging effect of the variant on protein function. The variant allele was found at a frequency of 3.6e-05 in 251452 control chromosomes, predominantly at a frequency of 0.00049 within the East Asian subpopulation in the gnomAD database. The available data on variant occurrences in the general population are insufficient to allow any conclusion about variant significance. To our knowledge, no occurrence of c.790A>G in individuals affected with Long QT Syndrome and no experimental evidence demonstrating its impact on protein function have been reported. No clinical diagnostic laboratories have submitted clinical-significance assessments for this variant to ClinVar after 2014. Based on the evidence outlined above, the variant was classified as uncertain significance.